The following is an entry in ClinVar:

NM_001376.5(DYNC1H1):c.3420G>A (p.Thr1140=)

Gene: DYNC1H1 (dynein cytoplasmic 1 heavy chain 1; plus strand). Cytogenetic location: 14q32.31.
Variant type: single nucleotide variant.
Coding change: c.3420G>A on transcript NM_001376.5 (MANE Select); coding-DNA position 3420, G replaced by A.
Protein change: p.Thr1140=; no amino-acid change (threonine 1140 retained).
Molecular consequence: synonymous variant.
Genome position (GRCh38, 1-based): chr14:101,995,072, G>A. VCF-style: chr14-101995072-G-A. GRCh37 (hg19) VCF-style: chr14-102461409-G-A.
Other names: c.3420G>A (NM_001376.4).
Identifiers: ClinVar variation 1130764 (VCV001130764.10), dbSNP rs144002471, ClinGen allele CA7352011.

ClinVar aggregate classification (germline): Likely benign. Review status: criteria provided, multiple submitters, no conflicts (2 of 4 stars). 2 submissions from 2 submitters: Likely benign (2). Last evaluated 2025-02-17.

Conditions:
Charcot-Marie-Tooth disease axonal type 2O. Also called: Charcot-Marie-Tooth disease, axonal, type 20; CHARCOT-MARIE-TOOTH NEUROPATHY, AXONAL, TYPE 2O; CHARCOT-MARIE-TOOTH DISEASE, AXONAL, AUTOSOMAL DOMINANT, TYPE 2O; Charcot-Marie-Tooth Neuropathy Type 2O. Identifiers: Orphanet 284232, MedGen C3280220, MONDO:0013644, OMIM 614228.
DYNC1H1-related disorder. Also called: DYNC1H1-related condition; DYNC1H1-related disorders. Identifiers: MedGen CN381529.

Allele frequency attached by ClinVar (database versions not stated): gnomAD 0.00001; TOPMed 0.00001; ExAC 0.00002; ESP Exome Variant Server 0.00008.
gnomAD v4.1: 19 of 1,614,030 alleles (0.0012%); highest among the groups gnomAD compares: Admixed American, 0.0083%; no homozygotes.

Submissions (2):

Labcorp Genetics (formerly Invitae), Labcorp
Classification: Likely benign for Charcot-Marie-Tooth disease axonal type 2O. Last evaluated: 2025-02-17. Review status: criteria provided, single submitter. Criteria: Invitae Variant Classification Sherloc (09022015). Collection method: clinical testing. Allele origin: germline.

PreventionGenetics, part of Exact Sciences
Classification: Likely benign for DYNC1H1-related condition. Last evaluated: 2025-02-12. Review status: criteria provided, single submitter. Criteria: ACMG Guidelines, 2015. Collection method: clinical testing. Allele origin: germline.
Comment: This variant is classified as likely benign based on ACMG/AMP sequence variant interpretation guidelines (Richards et al. 2015 PMID: 25741868, with internal and published modifications).